The following is an entry in ClinVar:

NM_006445.4(PRPF8):c.3060+5G>A

Gene: PRPF8 (pre-mRNA processing factor 8; minus strand). Cytogenetic location: 17p13.3.
Variant type: single nucleotide variant.
Coding change: c.3060+5G>A on transcript NM_006445.4 (MANE Select); 5 bases into the intron after coding-DNA position 3060, G replaced by A.
Molecular consequence: intron variant.
Genome position (GRCh38, 1-based): chr17:1,675,147, C>T on the plus strand (G>A on the coding strand, the complement: PRPF8 is on the minus strand). VCF-style: chr17-1675147-C-T. GRCh37 (hg19) VCF-style: chr17-1578441-C-T.
Identifiers: ClinVar variation 1467601 (VCV001467601.7), dbSNP rs373156561, ClinGen allele CA8271991.

ClinVar aggregate classification (germline): Uncertain significance. Review status: criteria provided, multiple submitters, no conflicts (2 of 4 stars). 2 submissions from 2 submitters: Uncertain significance (2). Last evaluated 2023-12-11.

Allele frequency attached by ClinVar (database versions not stated): gnomAD 0.00001; ExAC 0.00002; gnomAD exomes 0.00002; TOPMed 0.00002; ESP Exome Variant Server 0.00008.
gnomAD v4.1: 23 of 1,613,070 alleles (0.0014%); highest among the groups gnomAD compares: African/African-American, 0.008%; no homozygotes.

Submissions (2):

Labcorp Genetics (formerly Invitae), Labcorp
Classification: Uncertain significance. Last evaluated: 2023-12-11. Review status: criteria provided, single submitter. Criteria: Invitae Variant Classification Sherloc (09022015). Collection method: clinical testing. Allele origin: germline.
Comment: This sequence change falls in intron 20 of the PRPF8 gene. It does not directly change the encoded amino acid sequence of the PRPF8 protein. It affects a nucleotide within the consensus splice site. This variant is present in population databases (rs373156561, gnomAD 0.01%). This variant has not been reported in the literature in individuals affected with PRPF8-related conditions. ClinVar contains an entry for this variant (Variation ID: 1467601). Variants that disrupt the consensus splice site are a relatively common cause of aberrant splicing (PMID: 17576681, 9536098). Algorithms developed to predict the effect of sequence changes on RNA splicing suggest that this variant is not likely to affect RNA splicing. In summary, the available evidence is currently insufficient to determine the role of this variant in disease. Therefore, it has been classified as a Variant of Uncertain Significance.

Blueprint Genetics
Classification: Uncertain significance. Last evaluated: 2023-10-02. Review status: criteria provided, single submitter. Criteria: ACMG Guidelines, 2015. Collection method: clinical testing. Allele origin: germline.

Literature cited by the submitters: PubMed 17576681 (cited by Labcorp Genetics (formerly Invitae), Labcorp); PubMed 9536098 (cited by Labcorp Genetics (formerly Invitae), Labcorp).